The following is an entry in ClinVar:

NM_000179.3(MSH6):c.1240T>G (p.Trp414Gly)

Gene: MSH6 (mutS homolog 6; plus strand). Cytogenetic location: 2p16.3.
Variant type: single nucleotide variant.
Coding change: c.1240T>G on transcript NM_000179.3 (MANE Select); coding-DNA position 1240, T replaced by G.
Protein change: p.Trp414Gly; replaces tryptophan 414 with glycine.
Molecular consequence: missense variant.
Genome position (GRCh38, 1-based): chr2:47,799,223, T>G. VCF-style: chr2-47799223-T-G. GRCh37 (hg19) VCF-style: chr2-48026362-T-G.
Other names: c.850T>G, p.Trp284Gly (NM_001281492.2); c.334T>G, p.Trp112Gly (NM_001281493.2, NM_001281494.2, NM_001406811.1 and 6 more transcripts); c.1336T>G, p.Trp446Gly (NM_001406795.1, NM_001406802.1); c.1240T>G, p.Trp414Gly (NM_001406796.1, NM_001406798.1, NM_001406800.1 and 4 more transcripts); c.943T>G, p.Trp315Gly (NM_001406797.1, NM_001406801.1, NM_001406805.1 and 10 more transcripts); c.715T>G, p.Trp239Gly (NM_001406799.1, NM_001406806.1, NM_001406807.1); c.1162T>G, p.Trp388Gly (NM_001406804.1); c.1246T>G, p.Trp416Gly (NM_001406813.1); and 1 more; short protein forms W112G, W239G, W315G, W414G, W284G, W446G, W358G, W388G.
Identifiers: ClinVar variation 1758348 (VCV001758348.2), dbSNP rs2530598647, ClinGen allele CA346743747.
Genomic context (GRCh38, chr2:47,799,223, plus strand): 5'-TCTACACTCTATGTGCCTGAGGATTTCCTCAATTCTTGTACTCCTGGGATGAGGAAGTGG[T>G]GGCAGATTAAGTCTCAGAACTTTGATCTTGTCATCTGTTACAAGGTGGGGAAATTTTATG-3'
Protein context (NP_000170.1, residues 404-424): NSCTPGMRKW[Trp414Gly]QIKSQNFDLV

ClinVar aggregate classification (germline): Uncertain significance (1 of 4 stars; one submission).

Conditions:
Hereditary cancer-predisposing syndrome. Also called: Neoplastic Syndromes, Hereditary; Tumor predisposition; Hereditary Cancer Syndrome; Hereditary neoplastic syndrome. Identifiers: Orphanet 140162, MedGen C0027672, MeSH D009386, MONDO:0015356.

Submission:

Ambry Genetics
Classification: Uncertain significance for Hereditary cancer-predisposing syndrome. Last evaluated: 2020-05-19. Review status: criteria provided, single submitter. Criteria: Ambry Variant Classification Scheme 2023. Collection method: clinical testing. Allele origin: germline.
Comment: The p.W414G variant (also known as c.1240T>G), located in coding exon 4 of the MSH6 gene, results from a T to G substitution at nucleotide position 1240. The tryptophan at codon 414 is replaced by glycine, an amino acid with highly dissimilar properties. This amino acid position is highly conserved in available vertebrate species. In addition, this alteration is predicted to be deleterious by in silico analysis. Since supporting evidence is limited at this time, the clinical significance of this alteration remains unclear.